The following is an entry in ClinVar:

NM_004655.4(AXIN2):c.313G>T (p.Val105Leu)

Gene: AXIN2 (axin 2; minus strand). Cytogenetic location: 17q24.1.
Variant type: single nucleotide variant.
Coding change: c.313G>T on transcript NM_004655.4 (MANE Select); coding-DNA position 313, G replaced by T.
Protein change: p.Val105Leu; replaces valine 105 with leucine.
Molecular consequence: missense variant.
Genome position (GRCh38, 1-based): chr17:65,558,308, C>A on the plus strand (G>T on the coding strand, the complement: AXIN2 is on the minus strand). VCF-style: chr17-65558308-C-A. GRCh37 (hg19) VCF-style: chr17-63554426-C-A.
Other names: c.313G>T, p.Val105Leu (NM_001363813.1); short protein forms V105L.
Identifiers: ClinVar variation 1728078 (VCV001728078.2), dbSNP rs2144588178, ClinGen allele CA400681674.

ClinVar aggregate classification (germline): Uncertain significance (1 of 4 stars; one submission).

Conditions:
Hereditary cancer-predisposing syndrome. Also called: Tumor predisposition; Neoplastic Syndromes, Hereditary; Hereditary Cancer Syndrome; Hereditary neoplastic syndrome. Identifiers: Orphanet 140162, MedGen C0027672, MeSH D009386, MONDO:0015356.

Submission:

Ambry Genetics
Classification: Uncertain significance for Hereditary cancer-predisposing syndrome. Last evaluated: 2021-09-11. Review status: criteria provided, single submitter. Criteria: Ambry Variant Classification Scheme 2023. Collection method: clinical testing. Allele origin: germline.
Comment: The p.V105L variant (also known as c.313G>T), located in coding exon 1 of the AXIN2 gene, results from a G to T substitution at nucleotide position 313. The valine at codon 105 is replaced by leucine, an amino acid with highly similar properties. This amino acid position is conserved. In addition, this alteration is predicted to be tolerated by in silico analysis. Since supporting evidence is limited at this time, the clinical significance of this alteration remains unclear.